The following is an entry in ClinVar:

ClinVar aggregate classification (germline): Likely pathogenic (1 of 4 stars; one submission).

Allele frequency attached by ClinVar (database versions not stated): gnomAD exomes below 0.00001.
gnomAD v4.1: 2 of 1,612,866 alleles (0.00012%); highest among the groups gnomAD compares: Non-Finnish European, 0.00017%; no homozygotes.

Submission:

Mayo Clinic Laboratories, Mayo Clinic
Classification: Likely pathogenic. Last evaluated: 2021-04-08. Review status: criteria provided, single submitter. Criteria: ACMG Guidelines, 2015. Collection method: clinical testing. Allele origin: germline.
Comment: PM2, PM1, PP3, PM3_supporting, PS3_supporting

Literature cited by the submitters: PubMed 24427140.

NM_000289.6(PFKM):c.926A>G (p.Asp309Gly)

Gene: PFKM (phosphofructokinase, muscle; plus strand). Cytogenetic location: 12q13.11.
Variant type: single nucleotide variant.
Coding change: c.926A>G on transcript NM_000289.6 (MANE Select); coding-DNA position 926, A replaced by G.
Protein change: p.Asp309Gly; replaces aspartic acid 309 with glycine.
Molecular consequence: missense variant. On other transcripts: non-coding transcript variant (6), intron variant (1).
Genome position (GRCh38, 1-based): chr12:48,135,373, A>G. VCF-style: chr12-48135373-A-G. GRCh37 (hg19) VCF-style: chr12-48529156-A-G.
Other names: p.Asp309Gly; c.1139A>G, p.Asp380Gly (NM_001166686.2, NM_001354737.1, NM_001354738.1 and 1 more transcripts); c.926A>G, p.Asp309Gly (NM_001166687.2, NM_001166688.2, NM_001354742.2 and 3 more transcripts); c.1235A>G, p.Asp412Gly (NM_001354735.1, NM_001354736.1); c.1070A>G, p.Asp357Gly (NM_001354740.1); c.950A>G, p.Asp317Gly (NM_001354741.2); c.839A>G, p.Asp280Gly (NM_001354745.2); c.776A>G, p.Asp259Gly (NM_001354747.2, NM_001354748.2); and 1 more; short protein forms D259G, D280G, D309G, D317G, D357G, D380G, D412G.
Identifiers: ClinVar variation 1705958 (VCV001705958.4), dbSNP rs1169383137, ClinGen allele CA384545933.
Genomic context (GRCh38, chr12:48,135,373, plus strand): 5'-ATGACACCCGGGTTACTGTCTTGGGGCATGTGCAGAGGGGTGGGACGCCATCAGCCTTTG[A>G]CAGAATTCTGGTAAGTCACTGGGCTGTGTGGCCCTCATGCCTTGAAACCCTCAACCTTGT-3'
Protein context (NP_000280.1, residues 299-319): VQRGGTPSAF[Asp309Gly]RILGSRMGVE